The following is an entry in ClinVar:

ClinVar aggregate classification (germline): Uncertain significance (1 of 4 stars; one submission).

gnomAD v4.1: 32 of 1,608,936 alleles (0.002%); highest among the groups gnomAD compares: East Asian, 0.071%; 1 homozygote.

Submission:

Labcorp Genetics (formerly Invitae), Labcorp
Classification: Uncertain significance. Last evaluated: 2024-04-05. Review status: criteria provided, single submitter. Criteria: Invitae Variant Classification Sherloc (09022015). Collection method: clinical testing. Allele origin: germline.
Comment: This sequence change replaces leucine, which is neutral and non-polar, with isoleucine, which is neutral and non-polar, at codon 175 of the CEP97 protein (p.Leu175Ile). This variant is present in population databases (rs753847232, gnomAD 0.03%). This variant has not been reported in the literature in individuals affected with CEP97-related conditions. Advanced modeling of protein sequence and biophysical properties (such as structural, functional, and spatial information, amino acid conservation, physicochemical variation, residue mobility, and thermodynamic stability) has been performed at Invitae for this missense variant, however the output from this modeling did not meet the statistical confidence thresholds required to predict the impact of this variant on CEP97 protein function. In summary, the available evidence is currently insufficient to determine the role of this variant in disease. Therefore, it has been classified as a Variant of Uncertain Significance.

NM_024548.4(CEP97):c.523C>A (p.Leu175Ile)

Gene: CEP97 (centrosomal protein 97; plus strand). Cytogenetic location: 3q12.3.
Variant type: single nucleotide variant.
Coding change: c.523C>A on transcript NM_024548.4 (MANE Select); coding-DNA position 523, C replaced by A.
Protein change: p.Leu175Ile; replaces leucine 175 with isoleucine.
Molecular consequence: missense variant.
Genome position (GRCh38, 1-based): chr3:101,731,915, C>A. VCF-style: chr3-101731915-C-A. GRCh37 (hg19) VCF-style: chr3-101450759-C-A.
Other names: c.523C>A, p.Leu175Ile (NM_001303401.2); c.421C>A, p.Leu141Ile (NM_001410784.1, NM_001410785.1); short protein forms L141I, L175I.
Identifiers: ClinVar variation 3696843 (VCV003696843.2).